The following is an entry in ClinVar:

NM_001754.5(RUNX1):c.1269_1277del (p.Ser424_Pro426del)

Gene: RUNX1 (RUNX family transcription factor 1; minus strand). Cytogenetic location: 21q22.12.
Variant type: Deletion.
Coding change: c.1269_1277del on transcript NM_001754.5 (MANE Select); coding-DNA positions 1269 to 1277, 9 bases deleted (CTCGCCGCC; older notation c.1269_1277delCTCGCCGCC).
Protein change: p.Ser424_Pro426del.
Genome position (GRCh38, 1-based): chr21:34,792,301-34,792,309, GGCGGCGAG deleted on the plus strand (CTCGCCGCC on the coding strand, the reverse complement: RUNX1 is on the minus strand). VCF-style (leftmost placement, unchanged base first): chr21-34792300-CGGCGGCGAG-C. GRCh37 (hg19) VCF-style: chr21-36164597-CGGCGGCGAG-C.
Other names: c.1188_1196del, p.Ser397_Pro399del (NM_001001890.3).
Identifiers: ClinVar variation 4158185 (VCV004158185.1).

ClinVar aggregate classification (germline): Uncertain significance (1 of 4 stars; one submission).

Conditions:
Inborn genetic diseases. Identifiers: MedGen C0950123, MeSH D030342.

Submission:

Ambry Genetics
Classification: Uncertain significance for Inborn genetic diseases. Last evaluated: 2025-06-24. Review status: criteria provided, single submitter. Criteria: Ambry Variant Classification Scheme 2023. Collection method: clinical testing. Allele origin: germline.
Comment: The c.1269_1277delCTCGCCGCC variant (also known as p.S424_P426del) is located in coding exon 8 of the RUNX1 gene. This variant results from an in-frame CTCGCCGCC deletion at nucleotide positions 1269 to 1277. This results in the in-frame deletion of 3 amino acids (SPP) at codons 424 to 426. These amino acid positions are well conserved in available vertebrate species. In addition, this variant is predicted to be deleterious by in silico analysis (Choi Y et al. PLoS ONE. 2012; 7(10):e46688). Based on the available evidence, the clinical significance of this variant remains unclear.